The following is an entry in ClinVar:

ClinVar aggregate classification (germline): Conflicting classifications of pathogenicity. Review status: criteria provided, conflicting classifications (1 of 4 stars). 7 submissions from 6 submitters: Uncertain significance (4); Likely benign (1). 2 of the submissions do not count toward it. Last evaluated 2023-04-19.

Conditions:
Inborn genetic diseases. Identifiers: MedGen C0950123, MeSH D030342.
Microcephaly 9, primary, autosomal recessive. Identifiers: Orphanet 2512, MedGen C3553886, MONDO:0013923, OMIM 614852.
Seckel syndrome 5 (SCKL5). Identifiers: Orphanet 808, MedGen C3151187, MONDO:0013443, OMIM 613823.

Allele frequency attached by ClinVar (database versions not stated): TOPMed 0.00002; ExAC 0.00003; gnomAD exomes 0.00003; gnomAD 0.00004.
gnomAD v4.1: 45 of 1,611,798 alleles (0.0028%); highest among the groups gnomAD compares: African/African-American, 0.012%; no homozygotes.

Submissions (7):

Ambry Genetics
Classification: Uncertain significance for Inborn genetic diseases. Last evaluated: 2023-04-19. Review status: criteria provided, single submitter. Criteria: Ambry Variant Classification Scheme 2023. Collection method: clinical testing. Allele origin: germline.

Blueprint Genetics
Classification: Likely benign. Last evaluated: 2023-03-30. Review status: criteria provided, single submitter. Criteria: ACMG Guidelines, 2015. Collection method: clinical testing. Allele origin: germline.

Labcorp Genetics (formerly Invitae), Labcorp
Classification: Uncertain significance. Last evaluated: 2022-08-15. Review status: criteria provided, single submitter. Criteria: Invitae Variant Classification Sherloc (09022015). Collection method: clinical testing. Allele origin: germline.
Comment: This sequence change replaces asparagine, which is neutral and polar, with serine, which is neutral and polar, at codon 321 of the CEP152 protein (p.Asn321Ser). This variant is present in population databases (rs556609167, gnomAD 0.005%). This variant has not been reported in the literature in individuals affected with CEP152-related conditions. ClinVar contains an entry for this variant (Variation ID: 316427). Algorithms developed to predict the effect of missense changes on protein structure and function output the following: SIFT: "Tolerated"; PolyPhen-2: "Benign"; Align-GVGD: "Class C0". The serine amino acid residue is found in multiple mammalian species, which suggests that this missense change does not adversely affect protein function. In summary, the available evidence is currently insufficient to determine the role of this variant in disease. Therefore, it has been classified as a Variant of Uncertain Significance.

Illumina Laboratory Services, Illumina
Classification: Uncertain significance for Seckel syndrome 5. Last evaluated: 2018-01-13. Review status: criteria provided, single submitter. Criteria: ICSL Variant Classification Criteria 13 December 2019. Collection method: clinical testing. Allele origin: germline.

Illumina Laboratory Services, Illumina
Classification: Uncertain significance for Microcephaly 9, primary, autosomal recessive. Last evaluated: 2018-01-13. Review status: criteria provided, single submitter. Criteria: ICSL Variant Classification Criteria 13 December 2019. Collection method: clinical testing. Allele origin: germline.

Clinical Genetics DNA and cytogenetics Diagnostics Lab, Erasmus MC, Erasmus Medical Center
Classification: Uncertain significance. Review status: no assertion criteria provided. Collection method: clinical testing. Allele origin: germline. Affected: yes. Study: VKGL Data-share Consensus. Not counted in ClinVar's aggregate classification.

Laboratory of Diagnostic Genome Analysis, Leiden University Medical Center (LUMC)
Classification: Uncertain significance. Review status: no assertion criteria provided. Collection method: clinical testing. Allele origin: germline. Affected: yes. Study: VKGL Data-share Consensus. Not counted in ClinVar's aggregate classification.

NM_001194998.2(CEP152):c.962A>G (p.Asn321Ser)

Gene: CEP152 (centrosomal protein 152; minus strand). Cytogenetic location: 15q21.1.
Variant type: single nucleotide variant.
Coding change: c.962A>G on transcript NM_001194998.2 (MANE Select); coding-DNA position 962, A replaced by G.
Protein change: p.Asn321Ser; replaces asparagine 321 with serine.
Molecular consequence: missense variant.
Genome position (GRCh38, 1-based): chr15:48,791,247, T>C on the plus strand (A>G on the coding strand, the complement: CEP152 is on the minus strand). VCF-style: chr15-48791247-T-C. GRCh37 (hg19) VCF-style: chr15-49083444-T-C.
Other names: c.962A>G, p.Asn321Ser (NM_014985.4); short protein forms N321S.
Identifiers: ClinVar variation 316427 (VCV000316427.11), dbSNP rs556609167, ClinGen allele CA7548987.